The following is an entry in ClinVar:

ClinVar aggregate classification (germline): Uncertain significance (1 of 4 stars; one submission).

Conditions:
RASopathy. Also called: Noonan spectrum disorder; rasopathies. Identifiers: Orphanet 536391, MedGen C5555857, MONDO:0021060.

Allele frequency attached by ClinVar (database versions not stated): gnomAD exomes below 0.00001.
gnomAD v4.1: 1 of 1,581,190 alleles (0.000063%); highest among the groups gnomAD compares: Non-Finnish European, 0.000087%; no homozygotes.

Submission:

Labcorp Genetics (formerly Invitae), Labcorp
Classification: Uncertain significance for RASopathy. Last evaluated: 2022-03-23. Review status: criteria provided, single submitter. Criteria: Invitae Variant Classification Sherloc (09022015). Collection method: clinical testing. Allele origin: germline.
Comment: This variant is not present in population databases (gnomAD no frequency). This sequence change replaces valine, which is neutral and non-polar, with isoleucine, which is neutral and non-polar, at codon 231 of the SOS1 protein (p.Val231Ile). This variant has not been reported in the literature in individuals affected with SOS1-related conditions. ClinVar contains an entry for this variant (Variation ID: 949906). Advanced modeling of protein sequence and biophysical properties (such as structural, functional, and spatial information, amino acid conservation, physicochemical variation, residue mobility, and thermodynamic stability) performed at Invitae indicates that this missense variant is not expected to disrupt SOS1 protein function. In summary, the available evidence is currently insufficient to determine the role of this variant in disease. Therefore, it has been classified as a Variant of Uncertain Significance.

NM_005633.4(SOS1):c.691G>A (p.Val231Ile)

Gene: SOS1 (SOS Ras/Rac guanine nucleotide exchange factor 1; minus strand). Cytogenetic location: 2p22.1.
Variant type: single nucleotide variant.
Coding change: c.691G>A on transcript NM_005633.4 (MANE Select); coding-DNA position 691, G replaced by A.
Protein change: p.Val231Ile; replaces valine 231 with isoleucine.
Molecular consequence: missense variant.
Genome position (GRCh38, 1-based): chr2:39,054,643, C>T on the plus strand (G>A on the coding strand, the complement: SOS1 is on the minus strand). VCF-style: chr2-39054643-C-T. GRCh37 (hg19) VCF-style: chr2-39281784-C-T.
Other names: c.670G>A, p.Val224Ile (NM_001382394.1); c.691G>A, p.Val231Ile (NM_001382395.1); short protein forms V224I, V231I.
Identifiers: ClinVar variation 949906 (VCV000949906.9), dbSNP rs1671141416, ClinGen allele CA346372963.